The following is an entry in ClinVar:

ClinVar aggregate classification (germline): Pathogenic/Likely pathogenic. Review status: criteria provided, multiple submitters, no conflicts (2 of 4 stars). 3 submissions from 3 submitters: Pathogenic (2); Likely pathogenic (1). Last evaluated 2026-01-27.

Conditions:
SQSTM1-related disorder. Also called: SQSTM1-Related Disorders.
Myopathy, distal, with rimmed vacuoles (DMRV). Also called: MULTISYSTEM PROTEINOPATHY 4. Identifiers: MedGen C5399975, MONDO:0014945, OMIM 617158.
Frontotemporal dementia and/or amyotrophic lateral sclerosis 3. Also called: FTDALS3. Identifiers: Orphanet 275864, Orphanet 275872, Orphanet 803, MedGen C4225326, MONDO:0014640, OMIM 616437.
Neurodegeneration with ataxia, dystonia, and gaze palsy, childhood-onset (NADGP). Identifiers: MedGen C4310693, MONDO:0014940, OMIM 617145.
Paget disease of bone 3. Identifiers: MedGen C4085252, MONDO:0008176, OMIM 167250.
Frontotemporal dementia and/or amyotrophic lateral sclerosis 1 (FTDALS1). Also called: Frontotemporal dementia with motor neuron disease 1; C9orf72 Frontotemporal Dementia and/or Amyotrophic Lateral Sclerosis. Identifiers: Orphanet 275872, MedGen C5779877, MONDO:0007105, OMIM 105550.
Paget disease of bone 2, early-onset (PDB2). Also called: Paget disease of bone 2. Identifiers: MedGen C4085251, MONDO:0011183, OMIM 602080.

Allele frequency attached by ClinVar (database versions not stated): TOPMed 0.00002; gnomAD exomes 0.00003 and 0.00002; gnomAD 0.00001; ExAC 0.00002.
gnomAD v4.1: 47 of 1,614,036 alleles (0.0029%); highest among the groups gnomAD compares: Non-Finnish European, 0.0039%; no homozygotes.

Submissions (3):

Labcorp Genetics (formerly Invitae), Labcorp
Classification: Pathogenic for Paget disease of bone 2, early-onset; Frontotemporal dementia and/or amyotrophic lateral sclerosis 1. Last evaluated: 2026-01-27. Review status: criteria provided, single submitter. Criteria: Invitae Variant Classification Sherloc (09022015). Collection method: clinical testing. Allele origin: germline.
Comment: This sequence change replaces methionine, which is neutral and non-polar, with valine, which is neutral and non-polar, at codon 404 of the SQSTM1 protein (p.Met404Val). This variant is present in population databases (rs771966860, gnomAD 0.003%). This missense change has been observed in individuals with Paget's disease of the bone (PMID: 15125799, 15176995, 17129171). ClinVar contains an entry for this variant (Variation ID: 1071292). Invitae Evidence Modeling of protein sequence and biophysical properties (such as structural, functional, and spatial information, amino acid conservation, physicochemical variation, residue mobility, and thermodynamic stability) indicates that this missense variant is expected to disrupt SQSTM1 protein function with a positive predictive value of 80%. Experimental studies have shown that this missense change affects SQSTM1 function (PMID: 15176995, 15765181). This variant disrupts the p.Met404 amino acid residue in SQSTM1. Other variant(s) that disrupt this residue have been determined to be pathogenic (PMID: 15146436, 22491873). This suggests that this residue is clinically significant, and that variants that disrupt this residue are likely to be disease-causing. For these reasons, this variant has been classified as Pathogenic.

PreventionGenetics, part of Exact Sciences
Classification: Pathogenic for SQSTM1-related condition. Last evaluated: 2025-02-07. Review status: criteria provided, single submitter. Criteria: ACMG Guidelines, 2015. Collection method: clinical testing. Allele origin: germline.
Comment: The SQSTM1 c.1210A>G variant is predicted to result in the amino acid substitution p.Met404Val. This variant has been reported to be causative for Paget disease of bone (see for example - Hocking et al 2004. PubMed ID: 15176995; Falchetti A et al 2004. PubMed ID: 15125799; Cronin O et al 2020. PubMed ID: 32176830). This variant is reported in 0.0033% of alleles in individuals of South Asian descent in gnomAD. This variant is interpreted as pathogenic.

Juno Genomics, Hangzhou Juno Genomics, Inc
Classification: Likely pathogenic for Frontotemporal dementia and/or amyotrophic lateral sclerosis 3; Myopathy, distal, with rimmed vacuoles; Neurodegeneration with ataxia, dystonia, and gaze palsy, childhood-onset; Paget disease of bone 3. Review status: criteria provided, single submitter. Criteria: ACMG Guidelines, 2015. Collection method: clinical testing. Allele origin: germline.
Comment: Absent from controls (or at extremely low frequency if recessive) in Genome Aggregation Database.;Well-established in vitro or in vivo functional studies supportive of a damaging effect on the gene or gene product.;Located in a mutational hot spot and/or critical and well-established functional domain without benign variation.;The prevalence of the variant in affected individuals is significantly increased compared to the prevalence in controls.

Literature cited by the submitters: PubMed 15125799 (cited by Labcorp Genetics (formerly Invitae), Labcorp); PubMed 15176995 (cited by Labcorp Genetics (formerly Invitae), Labcorp); PubMed 17129171 (cited by Labcorp Genetics (formerly Invitae), Labcorp); PubMed 15765181 (cited by Labcorp Genetics (formerly Invitae), Labcorp); PubMed 15146436 (cited by Labcorp Genetics (formerly Invitae), Labcorp); PubMed 22491873 (cited by Labcorp Genetics (formerly Invitae), Labcorp).

NM_003900.5(SQSTM1):c.1210A>G (p.Met404Val)

Gene: SQSTM1 (sequestosome 1; plus strand). Cytogenetic location: 5q35.3.
Variant type: single nucleotide variant.
Coding change: c.1210A>G on transcript NM_003900.5 (MANE Select); coding-DNA position 1210, A replaced by G.
Protein change: p.Met404Val; replaces methionine 404 with valine.
Molecular consequence: missense variant.
Genome position (GRCh38, 1-based): chr5:179,836,480, A>G. VCF-style: chr5-179836480-A-G. GRCh37 (hg19) VCF-style: chr5-179263480-A-G.
Other names: c.1210A>G (NM_003900.4); c.958A>G, p.Met320Val (NM_001142298.2, NM_001142299.2); short protein forms M320V, M404V.
Identifiers: ClinVar variation 1071292 (VCV001071292.12), dbSNP rs771966860, ClinGen allele CA3600862.
Genomic context (GRCh38, chr5:179,836,480, plus strand): 5'-CTTACTGTTTCGGCAGAGGCTGACCCGCGGCTGATTGAGTCCCTCTCCCAGATGCTGTCC[A>G]TGGGCTTCTCTGATGAAGGCGGCTGGCTCACCAGGCTCCTGCAGACCAAGAACTATGACA-3'
Protein context (NP_003891.1, residues 394-414): LIESLSQMLS[Met404Val]GFSDEGGWLT